The following is an entry in ClinVar:

NM_001364905.1(LRBA):c.2082G>A (p.Met694Ile)

Gene: LRBA (LPS responsive beige-like anchor protein; minus strand). Cytogenetic location: 4q31.3.
Variant type: single nucleotide variant.
Coding change: c.2082G>A on transcript NM_001364905.1 (MANE Select); coding-DNA position 2082, G replaced by A.
Protein change: p.Met694Ile; replaces methionine 694 with isoleucine.
Molecular consequence: missense variant.
Genome position (GRCh38, 1-based): chr4:150,893,135, C>T on the plus strand (G>A on the coding strand, the complement: LRBA is on the minus strand). VCF-style: chr4-150893135-C-T. GRCh37 (hg19) VCF-style: chr4-151814287-C-T.
Other names: c.2082G>A, p.Met694Ile (NM_001199282.3, NM_001367550.1, NM_006726.5); short protein forms M694I.
Identifiers: ClinVar variation 1479868 (VCV001479868.7), dbSNP rs1468706104, ClinGen allele CA358428989.

ClinVar aggregate classification (germline): Uncertain significance (1 of 4 stars; one submission).

Conditions:
Combined immunodeficiency due to LRBA deficiency. Also called: Common variable immunodeficiency 8, with autoimmunity. Identifiers: Orphanet 445018, MedGen C3553512, MONDO:0013863, OMIM 614700.

Allele frequency attached by ClinVar (database versions not stated): gnomAD exomes below 0.00001 and 0.00001; gnomAD 0.00001.
gnomAD v4.1: 7 of 1,603,258 alleles (0.00044%); highest among the groups gnomAD compares: African/African-American, 0.0013%; no homozygotes.

Submission:

Labcorp Genetics (formerly Invitae), Labcorp
Classification: Uncertain significance for Combined immunodeficiency due to LRBA deficiency. Last evaluated: 2022-06-03. Review status: criteria provided, single submitter. Criteria: Invitae Variant Classification Sherloc (09022015). Collection method: clinical testing. Allele origin: germline.
Comment: Algorithms developed to predict the effect of sequence changes on RNA splicing suggest that this variant may disrupt the consensus splice site. In summary, the available evidence is currently insufficient to determine the role of this variant in disease. Therefore, it has been classified as a Variant of Uncertain Significance. Algorithms developed to predict the effect of missense changes on protein structure and function (SIFT, PolyPhen-2, Align-GVGD) all suggest that this variant is likely to be tolerated. ClinVar contains an entry for this variant (Variation ID: 1479868). This variant has not been reported in the literature in individuals affected with LRBA-related conditions. This variant is present in population databases (no rsID available, gnomAD 0.003%). This sequence change replaces methionine, which is neutral and non-polar, with isoleucine, which is neutral and non-polar, at codon 694 of the LRBA protein (p.Met694Ile).